The following is an entry in ClinVar:

NM_000368.5(TSC1):c.1076C>T (p.Pro359Leu)

Gene: TSC1 (TSC complex subunit 1; minus strand). Cytogenetic location: 9q34.13.
Variant type: single nucleotide variant.
Coding change: c.1076C>T on transcript NM_000368.5 (MANE Select); coding-DNA position 1076, C replaced by T.
Protein change: p.Pro359Leu; replaces proline 359 with leucine.
Molecular consequence: missense variant. On other transcripts: non-coding transcript variant (5).
Genome position (GRCh38, 1-based): chr9:132,911,067, G>A on the plus strand (C>T on the coding strand, the complement: TSC1 is on the minus strand). VCF-style: chr9-132911067-G-A. GRCh37 (hg19) VCF-style: chr9-135786454-G-A.
Other names: c.1076C>T, p.Pro359Leu (NM_001162426.2, NM_001406592.1, NM_001406593.1 and 16 more transcripts); c.923C>T, p.Pro308Leu (NM_001162427.2, NM_001406610.1, NM_001406611.1 and 2 more transcripts); c.713C>T, p.Pro238Leu (NM_001362177.2, NM_001406623.1, NM_001406624.1 and 10 more transcripts); c.125C>T, p.Pro42Leu (NM_001406626.1, NM_001406627.1, NM_001406628.1); c.26C>T, p.Pro9Leu (NM_001406629.1, NM_001406630.1); short protein forms P238L, P308L, P359L, P42L, P9L.
Identifiers: ClinVar variation 2679310 (VCV002679310.2), dbSNP rs2131961376, ClinGen allele CA375367654.

ClinVar aggregate classification (germline): Uncertain significance. Review status: criteria provided, multiple submitters, no conflicts (2 of 4 stars). 2 submissions from 2 submitters: Uncertain significance (2). Last evaluated 2026-07-02.

Conditions:
Isolated focal cortical dysplasia type II (FCORD2). Also called: CORTICAL DYSPLASIA OF TAYLOR; Focal cortical dysplasia type II. Identifiers: Orphanet 268994, MedGen C1846385, MONDO:0011818, OMIM 607341, HP:0032051.
Hereditary cancer-predisposing syndrome. Also called: Hereditary neoplastic syndrome; Hereditary Cancer Syndrome; Neoplastic Syndromes, Hereditary; Tumor predisposition. Identifiers: Orphanet 140162, MedGen C0027672, MeSH D009386, MONDO:0015356.

Submissions (2):

Ambry Genetics
Classification: Uncertain significance for Hereditary cancer-predisposing syndrome. Last evaluated: 2026-07-02. Review status: criteria provided, single submitter. Criteria: Ambry Variant Classification Scheme 2023. Collection method: clinical testing. Allele origin: germline.
Comment: The p.P359L variant (also known as c.1076C>T), located in coding exon 9 of the TSC1 gene, results from a C to T substitution at nucleotide position 1076. The proline at codon 359 is replaced by leucine, an amino acid with similar properties. This amino acid position is conserved. In addition, this alteration is predicted to be deleterious by in silico analysis. Based on the available evidence, the clinical significance of this variant remains unclear.

Baylor Genetics
Classification: Uncertain significance for Isolated focal cortical dysplasia type II. Last evaluated: 2023-07-20. Review status: criteria provided, single submitter. Criteria: ACMG Guidelines, 2015. Collection method: clinical testing. Allele origin: unknown.